The following is an entry in ClinVar:

ClinVar aggregate classification (germline): Likely pathogenic. Review status: criteria provided, multiple submitters, no conflicts (2 of 4 stars). 2 submissions from 2 submitters: Likely pathogenic (2). Last evaluated 2026-01-12.

Conditions:
Transcobalamin II deficiency (TCN2D). Also called: TC II DEFICIENCY; TCN2 DEFICIENCY; Transcolabamin II deficiency. Identifiers: Orphanet 859, MedGen C0342701, MONDO:0010149, OMIM 275350.

Submissions (2):

Labcorp Genetics (formerly Invitae), Labcorp
Classification: Likely pathogenic for Transcobalamin II deficiency. Last evaluated: 2026-01-12. Review status: criteria provided, single submitter. Criteria: Invitae Variant Classification Sherloc (09022015). Collection method: clinical testing. Allele origin: germline.
Comment: This variant results in the deletion of part of exon 2 (c.65-1_65delinsTT) of the TCN2 gene. It is expected to disrupt RNA splicing. Variants that disrupt the donor or acceptor splice site typically lead to a loss of protein function (PMID: 16199547), and loss-of-function variants in TCN2 are known to be pathogenic (PMID: 7980584, 20352340). Information on the frequency of this variant in the gnomAD database is not available, as this variant may be reported differently in the database. This variant has not been reported in the literature in individuals affected with TCN2-related conditions. ClinVar contains an entry for this variant (Variation ID: 1067218). In summary, the currently available evidence indicates that the variant is pathogenic, but additional data are needed to prove that conclusively. Therefore, this variant has been classified as Likely Pathogenic.

GeneDx
Classification: Likely pathogenic. Last evaluated: 2025-08-08. Review status: criteria provided, single submitter. Criteria: GeneDx Variant Classification Process June 2021. Collection method: clinical testing. Allele origin: germline. Affected: yes.
Comment: Canonical splice site variant in a gene for which loss-of-function is a known mechanism of disease; Not observed at significant frequency in large population cohorts (gnomAD); Has not been previously published as pathogenic or benign to our knowledge

Literature cited by the submitters: PubMed 16199547 (cited by Labcorp Genetics (formerly Invitae), Labcorp); PubMed 7980584 (cited by Labcorp Genetics (formerly Invitae), Labcorp); PubMed 20352340 (cited by Labcorp Genetics (formerly Invitae), Labcorp).

NM_000355.4(TCN2):c.65-1_65delinsTT

Gene: TCN2 (transcobalamin 2; plus strand). Cytogenetic location: 22q12.2.
Variant type: Indel.
Coding change: c.65-1_65delinsTT on transcript NM_000355.4 (MANE Select); the canonical splice acceptor site of the intron before coding-DNA position 65 through coding-DNA position 65, GA replaced by TT.
Molecular consequence: splice acceptor variant.
Genome position (GRCh38, 1-based): chr22:30,610,870-30,610,871, GA replaced by TT. VCF-style: chr22-30610870-GA-TT. GRCh37 (hg19) VCF-style: chr22-31006857-GA-TT.
Other names: c.65-1_65delinsTT (NM_001184726.2).
Identifiers: ClinVar variation 1067218 (VCV001067218.11), dbSNP rs2145536487, ClinGen allele CA2499226136.